The following is an entry in ClinVar:

ClinVar aggregate classification (germline): Conflicting classifications of pathogenicity. Review status: criteria provided, conflicting classifications (1 of 4 stars). 7 submissions from 7 submitters: Pathogenic (1); Uncertain significance (6). Last evaluated 2024-07-02.

Conditions:
Hereditary spherocytosis type 5. Also called: EPB42-Related Spherocytosis; EPB42-Related Hereditary Spherocytosis. Identifiers: Orphanet 822, MedGen C2675192, MONDO:0012985, OMIM 612690.

Allele frequency attached by ClinVar (database versions not stated): gnomAD 0.00002 and 0.00003; TOPMed 0.00003; ExAC 0.00006; 1000 Genomes Project 30x 0.00016; 1000 Genomes Project 0.00020.
gnomAD v4.1: 19 of 1,614,176 alleles (0.0012%); highest among the groups gnomAD compares: East Asian, 0.033%; no homozygotes.

Submissions (7):

Revvity Omics, Revvity
Classification: Uncertain significance for Hereditary spherocytosis type 5. Last evaluated: 2024-07-02. Review status: criteria provided, single submitter. Criteria: ACMG Guidelines, 2015. Collection method: clinical testing. Allele origin: germline.

Women's Health and Genetics/Laboratory Corporation of America, LabCorp
Classification: Uncertain significance. Last evaluated: 2024-01-31. Review status: criteria provided, single submitter. Criteria: LabCorp Variant Classification Summary - May 2015. Collection method: clinical testing. Allele origin: germline.
Comment: Variant summary: EPB42 c.1131G>T (p.Gln377His) results in a non-conservative amino acid change in the encoded protein sequence. Five of five in-silico tools predict a damaging effect of the variant on protein function. The variant allele was found at a frequency of 4e-05 in 251378 control chromosomes. c.1131G>T has been reported in the literature in a homozygous and a compound heterozygous individual affected with Hereditary spherocytosis (e.g. Wang_2022). These data indicate that the variant may be associated with disease. To our knowledge, no experimental evidence demonstrating an impact on protein function has been reported. The following publication has been ascertained in the context of this evaluation (PMID: 36203343). ClinVar contains an entry for this variant (Variation ID: 887393). Based on the evidence outlined above, the variant was classified as VUS-possibly pathogenic.

ARUP Laboratories, Molecular Genetics and Genomics, ARUP Laboratories
Classification: Uncertain significance for Hereditary spherocytosis type 5. Last evaluated: 2023-11-28. Review status: criteria provided, single submitter. Criteria: ARUP Molecular Germline Variant Investigation Process 2024. Collection method: clinical testing. Allele origin: germline.

Jiangsu Institute of Hematology, the First Affiliated Hospital of Soochow University
Classification: Pathogenic for Hereditary spherocytosis type 5. Last evaluated: 2022-03-01. Review status: criteria provided, single submitter. Criteria: ACMG Guidelines, 2015. Collection method: research. Allele origin: inherited. Affected: yes.

Mayo Clinic Laboratories, Mayo Clinic
Classification: Uncertain significance. Last evaluated: 2020-04-06. Review status: criteria provided, single submitter. Criteria: ACMG Guidelines, 2015. Collection method: clinical testing. Allele origin: germline. Observed: 1 variant allele.

Blueprint Genetics
Classification: Uncertain significance. Last evaluated: 2020-03-25. Review status: criteria provided, single submitter. Criteria: ACMG Guidelines, 2015. Collection method: clinical testing. Allele origin: germline.

Illumina Laboratory Services, Illumina
Classification: Uncertain significance for Hereditary spherocytosis type 5. Last evaluated: 2018-01-13. Review status: criteria provided, single submitter. Criteria: ICSL Variant Classification Criteria 13 December 2019. Collection method: clinical testing. Allele origin: germline.

Literature cited by the submitters: PubMed 36203343 (cited by Women's Health and Genetics/Laboratory Corporation of America, LabCorp).

NM_001114134.2(EPB42):c.1041G>T (p.Gln347His)

Gene: EPB42 (erythrocyte membrane protein band 4.2; minus strand). Cytogenetic location: 15q15.2.
Variant type: single nucleotide variant.
Coding change: c.1041G>T on transcript NM_001114134.2 (MANE Select); coding-DNA position 1041, G replaced by T.
Protein change: p.Gln347His; replaces glutamine 347 with histidine.
Molecular consequence: missense variant.
Genome position (GRCh38, 1-based): chr15:43,208,264, C>A on the plus strand (G>T on the coding strand, the complement: EPB42 is on the minus strand). VCF-style: chr15-43208264-C-A. GRCh37 (hg19) VCF-style: chr15-43500462-C-A.
Other names: c.1131G>T, p.Gln377His (NM_000119.3); short protein forms Q347H, Q377H.
Identifiers: ClinVar variation 887393 (VCV000887393.39), dbSNP rs574359460, ClinGen allele CA7520419.
Genomic context (GRCh38, chr15:43,208,264, plus strand): 5'-GTCCTGGACCCACCCCTAGGCTTTACCTCCACCTCCATTAGGAGCACTTGGGTGCAGAAT[C>A]TGCCATCCATCATAACCCTGGGGCAAGGCAGGCCGCGTCATCCAGCACTCTGTGGAAGTC-3'
Protein context (NP_001107606.1, residues 337-357): PALPQGYDGW[Gln347His]ILHPSAPNGG